The following is an entry in ClinVar:

NM_003041.4(SLC5A2):c.434T>G (p.Leu145Arg)

Gene: SLC5A2 (solute carrier family 5 member 2; plus strand). Cytogenetic location: 16p11.2.
Variant type: single nucleotide variant.
Coding change: c.434T>G on transcript NM_003041.4 (MANE Select); coding-DNA position 434, T replaced by G.
Protein change: p.Leu145Arg; replaces leucine 145 with arginine.
Molecular consequence: missense variant. On other transcripts: non-coding transcript variant (1).
Genome position (GRCh38, 1-based): chr16:31,485,859, T>G. VCF-style: chr16-31485859-T-G. GRCh37 (hg19) VCF-style: chr16-31497180-T-G.
Other names: short protein forms L145R.
Identifiers: ClinVar variation 3256638 (VCV003256638.1).

ClinVar aggregate classification (germline): Likely pathogenic (1 of 4 stars; one submission).

Conditions:
Familial renal glucosuria (GLYS). Also called: RENAL GLUCOSURIA, AUTOSOMAL DOMINANT; Familial renal glycosuria. Identifiers: Orphanet 69076, MedGen C3245525, MONDO:0009297, OMIM 233100.

Submission:

MVZ Medizinische Genetik Mainz
Classification: Likely pathogenic for Familial renal glucosuria. Last evaluated: 2024-05-31. Review status: criteria provided, single submitter. Criteria: UK Practice Guidelines For Variant Classification V4 01 2020. Collection method: clinical testing. Allele origin: germline. Inheritance: Autosomal dominant inheritance. Affected: yes. Observed: 1 variant allele.
Comment: ACMG Criteria: PP3_STR,PM2_SUP,PP4